The following is an entry in ClinVar:

NM_007294.4(BRCA1):c.5301T>A (p.Cys1767Ter)

Gene: BRCA1 (BRCA1 DNA repair associated; minus strand). Cytogenetic location: 17q21.31.
Variant type: single nucleotide variant.
Coding change: c.5301T>A on transcript NM_007294.4 (MANE Select); coding-DNA position 5301, T replaced by A.
Protein change: p.Cys1767Ter; replaces cysteine 1767 with a stop codon.
Molecular consequence: nonsense. On other transcripts: non-coding transcript variant (1).
Genome position (GRCh38, 1-based): chr17:43,051,094, A>T on the plus strand (T>A on the coding strand, the complement: BRCA1 is on the minus strand). VCF-style: chr17-43051094-A-T. GRCh37 (hg19) VCF-style: chr17-41203111-A-T.
Other names: 5420T>A (C1767X); c.5088T>A, p.Cys1696Ter (NM_001407571.1, NM_001407896.1, NM_001407897.1 and 12 more transcripts); c.5367T>A, p.Cys1789Ter (NM_001407581.1, NM_001407582.1); c.5364T>A, p.Cys1788Ter (NM_001407583.1, NM_001407585.1, NM_001407587.1 and 1 more transcripts); c.5361T>A, p.Cys1787Ter (NM_001407590.1, NM_001407591.1); c.5301T>A, p.Cys1767Ter (NM_001407593.1, NM_001407594.1, NM_001407596.1 and 6 more transcripts); c.5298T>A, p.Cys1766Ter (NM_001407610.1, NM_001407611.1, NM_001407612.1 and 17 more transcripts); c.5295T>A, p.Cys1765Ter (NM_001407627.1, NM_001407628.1, NM_001407629.1 and 14 more transcripts); and 73 more; short protein forms C1767*, C1788*, C1720*, C663*, C1613*, C1677*, C1698*, C1699*.
Identifiers: ClinVar variation 266544 (VCV000266544.8), dbSNP rs886040288, ClinGen allele CA10589599.

ClinVar aggregate classification (germline): Pathogenic. Review status: reviewed by expert panel (3 of 4 stars). 2 submissions from 2 submitters: Pathogenic (1). 1 of the submissions does not count toward it. Last evaluated 2016-10-18.

Conditions:
Breast-ovarian cancer, familial, susceptibility to, 1 (BROVCA1). Also called: BRCA1 Hereditary Breast and Ovarian Cancer; OVARIAN CANCER, SUSCEPTIBILITY TO. Identifiers: Orphanet 145, MedGen C2676676, MONDO:0011450, OMIM 604370. Disease mechanism: loss of function.

Submissions (3):

Evidence-based Network for the Interpretation of Germline Mutant Alleles (ENIGMA)
Classification: Pathogenic for Breast-ovarian cancer, familial, susceptibility to, 1. Last evaluated: 2016-10-18. Review status: reviewed by expert panel. Criteria: ENIGMA BRCA1/2 Classification Criteria (2015). Collection method: curation. Allele origin: germline.
Comment: Variant allele predicted to encode a truncated non-functional protein.

Consortium of Investigators of Modifiers of BRCA1/2 (CIMBA), c/o University of Cambridge
Classification: Pathogenic for Breast-ovarian cancer, familial, susceptibility to, 1. Last evaluated: 2015-10-02. Review status: criteria provided, single submitter. Criteria: CIMBA Mutation Classification guidelines May 2016. Collection method: clinical testing. Allele origin: germline. Not counted in ClinVar's aggregate classification.

Brotman Baty Institute, University of Washington
No classification provided (evidence only). Condition: Breast-ovarian cancer, familial 1. Review status: no classification provided. Collection method: in vitro. Allele origin: not applicable. Functional consequence: functionally_abnormal. Not counted in ClinVar's aggregate classification.
ClinVar note: "not provided" was previously submitted as the classification for the variant. However, the classification appeared to be based only on an observation of functional data so it was converted to no classification on 2025-07-30.